The following is an entry in ClinVar:

NM_021930.6(RINT1):c.106G>A (p.Val36Ile)

Gene: RINT1 (RAD50 interactor 1; plus strand). Cytogenetic location: 7q22.3.
Variant type: single nucleotide variant.
Coding change: c.106G>A on transcript NM_021930.6 (MANE Select); coding-DNA position 106, G replaced by A.
Protein change: p.Val36Ile; replaces valine 36 with isoleucine.
Molecular consequence: missense variant. On other transcripts: synonymous variant (1), 5 prime UTR variant (3), non-coding transcript variant (1).
Genome position (GRCh38, 1-based): chr7:105,536,582, G>A. VCF-style: chr7-105536582-G-A. GRCh37 (hg19) VCF-style: chr7-105177029-G-A.
Other names: c.9G>A, p.Gln3= (NM_001346599.2); c.-914G>A (NM_001346600.2); c.-817G>A (NM_001346601.2); c.-437G>A (NM_001346603.2); short protein forms V36I.
Identifiers: ClinVar variation 1783019 (VCV001783019.2), dbSNP rs2485099561, ClinGen allele CA368799988.

ClinVar aggregate classification (germline): Uncertain significance (1 of 4 stars; one submission).

Submission:

Ambry Genetics
Classification: Uncertain significance. Last evaluated: 2022-01-28. Review status: criteria provided, single submitter. Criteria: Ambry Variant Classification Scheme 2023. Collection method: clinical testing. Allele origin: germline.
Comment: The p.V36I variant (also known as c.106G>A), located in coding exon 3 of the RINT1 gene, results from a G to A substitution at nucleotide position 106. The valine at codon 36 is replaced by isoleucine, an amino acid with highly similar properties. This amino acid position is conserved. In addition, this alteration is predicted to be tolerated by in silico analysis. Since supporting evidence is limited at this time, the clinical significance of this alteration remains unclear.